The following is an entry in ClinVar:

ClinVar aggregate classification (germline): Pathogenic/Likely pathogenic. Review status: criteria provided, multiple submitters, no conflicts (2 of 4 stars). 2 submissions from 2 submitters: Pathogenic (1); Likely pathogenic (1). Last evaluated 2022-10-28.

Conditions:
Hereditary breast ovarian cancer syndrome. Also called: Hereditary breast and ovarian cancer syndrome (HBOC); Hereditary breast and ovarian cancer syndrome; Breast and ovarian cancer; Hereditary breast and/or ovarian cancer syndrome; Hereditary breast and ovarian cancer; BRCA1- and BRCA2-Associated Hereditary Breast and Ovarian Cancer. Identifiers: Orphanet 145, MedGen C0677776, MeSH D061325, MONDO:0003582. Disease mechanism: loss of function.

Submissions (2):

Labcorp Genetics (formerly Invitae), Labcorp
Classification: Pathogenic for Hereditary breast ovarian cancer syndrome. Last evaluated: 2022-10-28. Review status: criteria provided, single submitter. Criteria: Invitae Variant Classification Sherloc (09022015). Collection method: clinical testing. Allele origin: germline.
Comment: For these reasons, this variant has been classified as Pathogenic. Studies have shown that disruption of this splice site alters mRNA splicing and is expected to lead to the loss of protein expression (PMID: 22505045, 23451180, 24667779). ClinVar contains an entry for this variant (Variation ID: 462674). Disruption of this splice site has been observed in individual(s) with breast and/or ovarian cancer (PMID: 9333265, 23940062, 25556971). This variant is not present in population databases (gnomAD no frequency). This sequence change affects a donor splice site in intron 7 of the BRCA1 gene. RNA analysis indicates that disruption of this splice site induces altered splicing and may result in an absent or disrupted protein product.

Women's Health and Genetics/Laboratory Corporation of America, LabCorp
Classification: Likely pathogenic for Hereditary breast and ovarian cancer syndrome. Last evaluated: 2019-11-21. Review status: criteria provided, single submitter. Criteria: LabCorp Variant Classification Summary - May 2015. Collection method: clinical testing. Allele origin: germline.
Comment: Variant summary: BRCA1 c.547+1G>C is located in a canonical splice-site and is predicted to affect mRNA splicing resulting in a significantly altered protein due to either exon skipping, shortening, or inclusion of intronic material. Several computational tools predict a significant impact on normal splicing: Five predict the variant abolishes a 5 splicing donor site. However, these predictions have yet to be confirmed by functional studies. The variant was absent in 251436 control chromosomes (gnomAD). To our knowledge, no occurrence of c.547+1G>C in individuals affected with Hereditary Breast and Ovarian Cancer and no experimental evidence demonstrating its impact on protein function have been reported. A ClinVar submission (evaluation after 2014) cites the variant as likely pathogenic. Based on the evidence outlined above, the variant was classified as likely pathogenic.

Literature cited by the submitters: PubMed 22505045 (cited by Labcorp Genetics (formerly Invitae), Labcorp); PubMed 23451180 (cited by Labcorp Genetics (formerly Invitae), Labcorp); PubMed 24667779 (cited by Labcorp Genetics (formerly Invitae), Labcorp); PubMed 9333265 (cited by Labcorp Genetics (formerly Invitae), Labcorp); PubMed 23940062 (cited by Labcorp Genetics (formerly Invitae), Labcorp); PubMed 25556971 (cited by Labcorp Genetics (formerly Invitae), Labcorp).

NM_007294.4(BRCA1):c.547+1G>C

Gene: BRCA1 (BRCA1 DNA repair associated; minus strand). Cytogenetic location: 17q21.31.
Variant type: single nucleotide variant.
Coding change: c.547+1G>C on transcript NM_007294.4 (MANE Select); the canonical splice donor site of the intron after coding-DNA position 547, G replaced by C.
Molecular consequence: splice donor variant. On other transcripts: intron variant (2).
Genome position (GRCh38, 1-based): chr17:43,099,774, C>G on the plus strand (G>C on the coding strand, the complement: BRCA1 is on the minus strand). VCF-style: chr17-43099774-C-G. GRCh37 (hg19) VCF-style: chr17-41251791-C-G.
Other names: c.406+1G>C (NM_001408458.1, NM_001407922.1, NM_001408469.1 and 61 more transcripts); c.-218-4914G>C (NM_001407967.1, NM_001407966.1); c.166+1G>C (NM_001407959.1, NM_001408512.1, NM_001408510.1 and 3 more transcripts); c.403+1G>C (NM_001407931.1, NM_001407747.1, NM_001408470.1 and 35 more transcripts); c.163+1G>C (NM_001407962.1); c.337+1G>C (NM_001407885.1, NM_001407886.1, NM_001407881.1 and 37 more transcripts); c.544+1G>C (NM_001407686.1, NM_001408397.1, NM_001407632.1 and 65 more transcripts); c.547+1G>C (NM_001408436.1, NM_001407665.1, NM_001407980.1 and 96 more transcripts); and 5 more.
Identifiers: ClinVar variation 462674 (VCV000462674.9), dbSNP rs80358030, ClinGen allele CA10601039.